The following is an entry in ClinVar:

ClinVar aggregate classification (germline): Pathogenic (1 of 4 stars; one submission).

Conditions:
Neuronal ceroid lipofuscinosis 5 (CLN5). Also called: CEROID LIPOFUSCINOSIS, NEURONAL, 5, VARIABLE AGE AT ONSET; Neuronal ceroid lipofuscinosis Finnish variant; NEURONAL CEROID LIPOFUSCINOSIS, LATE INFANTILE, FINNISH VARIANT; CLN5-Related Neuronal Ceroid-Lipofuscinosis. Identifiers: Orphanet 168491, Orphanet 228360, MedGen C1850442, MONDO:0009745, OMIM 256731.

Submission:

Myriad Genetics, Inc.
Classification: Pathogenic for Neuronal ceroid lipofuscinosis 5. Last evaluated: 2023-09-27. Review status: criteria provided, single submitter. Criteria: Myriad Autosomal Dominant, Autosomal Recessive and X-Linked Classification Criteria (2023). Collection method: clinical testing. Allele origin: unknown.
Comment: NM_006493.2(CLN5):c.310dupG(V104Gfs*7) is expected to be pathogenic in the context of CLN5-related neuronal ceroid lipofuscinosis. This variant is predicted to lead to an abnormal or absent protein product due to the creation of a premature termination codon in CLN5, a gene where loss-of-function variants are known to be pathogenic. Please note: this variant was assessed in the context of healthy population screening.

NM_006493.4(CLN5):c.163dup (p.Val55fs)

Genes: CLN5 (CLN5 lysosomal BMP synthase; plus strand), LOC130009913 (ATAC-STARR-seq lymphoblastoid silent region 5414; plus strand). Cytogenetic location: 13q22.3.
Variant type: Duplication.
Coding change: c.163dup on transcript NM_006493.4 (MANE Select); coding-DNA position 163, one base duplicated (G; older notation c.163dupG).
Protein change: p.Val55fs; shifts the reading frame from valine 55.
Molecular consequence: frameshift variant.
Genome position (GRCh38, 1-based): chr13:76,992,261, G duplicated; the last of 2 consecutive G bases (chr13:76,992,260-76,992,261); duplicating either gives the same sequence. VCF-style (leftmost placement, unchanged base first): chr13-76992259-C-CG. GRCh37 (hg19) VCF-style: chr13-77566394-C-CG.
Other names: c.163dup, p.Val55fs (NM_001366624.2); short protein forms V55fs.
Identifiers: ClinVar variation 5012038 (VCV005012038.1).